The following is an entry in ClinVar:

NM_003801.4(GPAA1):c.1573G>A (p.Ala525Thr)

Gene: GPAA1 (glycosylphosphatidylinositol anchor attachment 1; plus strand). Cytogenetic location: 8q24.3.
Variant type: single nucleotide variant.
Coding change: c.1573G>A on transcript NM_003801.4 (MANE Select); coding-DNA position 1573, G replaced by A.
Protein change: p.Ala525Thr; replaces alanine 525 with threonine.
Molecular consequence: missense variant.
Genome position (GRCh38, 1-based): chr8:144,085,694, G>A. VCF-style: chr8-144085694-G-A. GRCh37 (hg19) VCF-style: chr8-145140597-G-A.
Other names: short protein forms A525T.
Identifiers: ClinVar variation 2632649 (VCV002632649.1), dbSNP rs375091786, ClinGen allele CA4933198.

ClinVar aggregate classification (germline): Uncertain significance (1 of 4 stars; one submission).

Conditions:
GPAA1-related disorder. Also called: GPAA1-related condition.

Allele frequency attached by ClinVar (database versions not stated): ExAC 0.00001; gnomAD 0.00001; gnomAD exomes 0.00002; TOPMed 0.00002; ESP Exome Variant Server 0.00008.

Submission:

PreventionGenetics, part of Exact Sciences
Classification: Uncertain significance for GPAA1-related condition. Last evaluated: 2023-06-22. Review status: criteria provided, single submitter. Criteria: ACMG Guidelines, 2015. Collection method: clinical testing. Allele origin: germline.
Comment: The GPAA1 c.1573G>A variant is predicted to result in the amino acid substitution p.Ala525Thr. To our knowledge, this variant has not been reported in the literature. This variant is reported in 0.00088% of alleles in individuals of European (Non-Finnish) descent in gnomAD. At this time, the clinical significance of this variant is uncertain due to the absence of conclusive functional and genetic evidence.